The following is an entry in ClinVar:

ClinVar aggregate classification (germline): Pathogenic (1 of 4 stars; one submission).

Conditions:
Mowat-Wilson syndrome (MOWS). Also called: Classic Mowat-Wilson Syndrome. Identifiers: Orphanet 2152, MedGen C1856113, MONDO:0009341, OMIM 235730.

Submission:

Labcorp Genetics (formerly Invitae), Labcorp
Classification: Pathogenic for Mowat-Wilson syndrome. Last evaluated: 2025-12-27. Review status: criteria provided, single submitter. Criteria: Invitae Variant Classification Sherloc (09022015). Collection method: clinical testing. Allele origin: germline.
Comment: This sequence change replaces histidine, which is basic and polar, with tyrosine, which is neutral and polar, at codon 1073 of the ZEB2 protein (p.His1073Tyr). This variant is not present in population databases (gnomAD no frequency). This missense change has been observed in individual(s) with ZEB2-related conditions (internal data). In at least one individual the variant was observed to be de novo. Invitae Evidence Modeling of protein sequence and biophysical properties (such as structural, functional, and spatial information, amino acid conservation, physicochemical variation, residue mobility, and thermodynamic stability) indicates that this missense variant is expected to disrupt ZEB2 protein function with a positive predictive value of 80%. For these reasons, this variant has been classified as Pathogenic.

NM_014795.4(ZEB2):c.3217C>T (p.His1073Tyr)

Gene: ZEB2 (zinc finger E-box binding homeobox 2; minus strand). Cytogenetic location: 2q22.3.
Variant type: single nucleotide variant.
Coding change: c.3217C>T on transcript NM_014795.4 (MANE Select); coding-DNA position 3217, C replaced by T.
Protein change: p.His1073Tyr; replaces histidine 1073 with tyrosine.
Molecular consequence: missense variant.
Genome position (GRCh38, 1-based): chr2:144,389,879, G>A on the plus strand (C>T on the coding strand, the complement: ZEB2 is on the minus strand). VCF-style: chr2-144389879-G-A. GRCh37 (hg19) VCF-style: chr2-145147446-G-A.
Other names: c.3145C>T, p.His1049Tyr (NM_001171653.2); short protein forms H1049Y, H1073Y.
Identifiers: ClinVar variation 4743710 (VCV004743710.1).